The following is an entry in ClinVar:

ClinVar aggregate classification (germline): Uncertain significance. Review status: criteria provided, multiple submitters, no conflicts (2 of 4 stars). 2 submissions from 2 submitters: Uncertain significance (2). Last evaluated 2022-01-23.

Conditions:
Inborn genetic diseases. Identifiers: MedGen C0950123, MeSH D030342.
Hereditary spastic paraplegia 49 (HSAN9). Also called: TECPR2-Related Hereditary Sensory and Autonomic Neuropathy with Intellectual Disability; NEUROPATHY, HEREDITARY SENSORY AND AUTONOMIC, TYPE IX, WITH DEVELOPMENTAL DELAY; Spastic paraplegia 49, autosomal recessive. Identifiers: Orphanet 320385, MedGen C5190860, MONDO:0014016, OMIM 615031.

Allele frequency attached by ClinVar (database versions not stated): gnomAD 0.00001; TOPMed 0.00002.
gnomAD v4.1: 18 of 1,613,334 alleles (0.0011%); highest among the groups gnomAD compares: East Asian, 0.0022%; no homozygotes.

Submissions (2):

Labcorp Genetics (formerly Invitae), Labcorp
Classification: Uncertain significance for Hereditary spastic paraplegia 49. Last evaluated: 2022-01-23. Review status: criteria provided, single submitter. Criteria: Invitae Variant Classification Sherloc (09022015). Collection method: clinical testing. Allele origin: germline.
Comment: This sequence change replaces glycine, which is neutral and non-polar, with arginine, which is basic and polar, at codon 841 of the TECPR2 protein (p.Gly841Arg). This variant is present in population databases (no rsID available, gnomAD 0.006%). This variant has not been reported in the literature in individuals affected with TECPR2-related conditions. Algorithms developed to predict the effect of missense changes on protein structure and function (SIFT, PolyPhen-2, Align-GVGD) all suggest that this variant is likely to be disruptive. Algorithms developed to predict the effect of sequence changes on RNA splicing suggest that this variant may create or strengthen a splice site. In summary, the available evidence is currently insufficient to determine the role of this variant in disease. Therefore, it has been classified as a Variant of Uncertain Significance.

Ambry Genetics
Classification: Uncertain significance for Inborn genetic diseases. Last evaluated: 2021-04-28. Review status: criteria provided, single submitter. Criteria: Ambry Variant Classification Scheme 2023. Collection method: clinical testing. Allele origin: germline.

NM_014844.5(TECPR2):c.2521G>A (p.Gly841Arg)

Genes: TECPR2 (tectonin beta-propeller repeat containing 2; plus strand), LOC130056519 (ATAC-STARR-seq lymphoblastoid silent region 6116; plus strand). Cytogenetic location: 14q32.31.
Variant type: single nucleotide variant.
Coding change: c.2521G>A on transcript NM_014844.5 (MANE Select); coding-DNA position 2521, G replaced by A.
Protein change: p.Gly841Arg; replaces glycine 841 with arginine.
Molecular consequence: missense variant.
Genome position (GRCh38, 1-based): chr14:102,438,148, G>A. VCF-style: chr14-102438148-G-A. GRCh37 (hg19) VCF-style: chr14-102904485-G-A.
Other names: c.2521G>A, p.Gly841Arg (NM_001172631.3); short protein forms G841R.
Identifiers: ClinVar variation 2037865 (VCV002037865.2), dbSNP rs904930160, ClinGen allele CA267058839.